The following is an entry in ClinVar:

NM_004638.4(PRRC2A):c.4776A>G (p.Pro1592=)

Gene: PRRC2A (proline rich coiled-coil 2A; plus strand). Cytogenetic location: 6p21.33.
Variant type: single nucleotide variant.
Coding change: c.4776A>G on transcript NM_004638.4 (MANE Select); coding-DNA position 4776, A replaced by G.
Protein change: p.Pro1592=; no amino-acid change (proline 1592 retained).
Molecular consequence: synonymous variant.
Genome position (GRCh38, 1-based): chr6:31,634,292, A>G. VCF-style: chr6-31634292-A-G. GRCh37 (hg19) VCF-style: chr6-31602069-A-G.
Other names: c.4776A>G, p.Pro1592= (NM_080686.3).
Identifiers: ClinVar variation 3038144 (VCV003038144.2), dbSNP rs2533849351, ClinGen allele CA449796653.
Genomic context (GRCh38, chr6:31,634,292, plus strand): 5'-GTAGGAATCTTTGCCACCTCCTCATAGCTCTGGATTCTTGGGCTCTAAGCCTGAGGGCCC[A>G]GGCCCTCAGGCAGAGTCCAGAGATACAGGCACAGAGGCCCTGACCCCTCACATCTGGAAC-3'
Protein context (NP_004629.3, residues 1582-1602): SGFLGSKPEG[Pro1592=]GPQAESRDTG

ClinVar aggregate classification (germline): Likely benign (0 of 4 stars; one submission).

Conditions:
PRRC2A-related disorder. Also called: PRRC2A-related condition.

Submission:

PreventionGenetics, part of Exact Sciences
Classification: Likely benign for PRRC2A-related condition. Last evaluated: 2019-03-18. Review status: no assertion criteria provided. Collection method: clinical testing. Allele origin: germline.
Comment: This variant is classified as likely benign based on ACMG/AMP sequence variant interpretation guidelines (Richards et al. 2015 PMID: 25741868, with internal and published modifications).